The following is an entry in ClinVar:

NM_001232.4(CASQ2):c.115G>C (p.Glu39Gln)

Gene: CASQ2 (calsequestrin 2; minus strand). Cytogenetic location: 1p13.1.
Variant type: single nucleotide variant.
Coding change: c.115G>C on transcript NM_001232.4 (MANE Select); coding-DNA position 115, G replaced by C.
Protein change: p.Glu39Gln; replaces glutamic acid 39 with glutamine.
Molecular consequence: missense variant.
Genome position (GRCh38, 1-based): chr1:115,768,427, C>G on the plus strand (G>C on the coding strand, the complement: CASQ2 is on the minus strand). VCF-style: chr1-115768427-C-G. GRCh37 (hg19) VCF-style: chr1-116311048-C-G.
Other names: short protein forms E39Q.
Identifiers: ClinVar variation 2146039 (VCV002146039.7), dbSNP rs756636650, ClinGen allele CA341767233.

ClinVar aggregate classification (germline): Uncertain significance. Review status: criteria provided, multiple submitters, no conflicts (2 of 4 stars). 3 submissions from 3 submitters: Uncertain significance (3). Last evaluated 2025-04-11.

Conditions:
Catecholaminergic polymorphic ventricular tachycardia 2. Also called: VENTRICULAR TACHYCARDIA, STRESS-INDUCED POLYMORPHIC 2; CASQ2-Related Catecholaminergic Polymorphic Ventricular Tachycardia. Identifiers: Orphanet 3286, MedGen C2677794, MONDO:0012762, OMIM 611938.
Cardiovascular phenotype. Identifiers: MedGen CN230736.
Catecholaminergic polymorphic ventricular tachycardia 1. Also called: VENTRICULAR TACHYCARDIA, STRESS-INDUCED POLYMORPHIC 1; RYR2-Related Catecholaminergic Polymorphic Ventricular Tachycardia; VENTRICULAR TACHYCARDIA, CATECHOLAMINERGIC POLYMORPHIC, 1, WITH OR WITHOUT ATRIAL DYSFUNCTION AND/OR DILATED CARDIOMYOPATHY. Identifiers: Orphanet 3286, MedGen C1631597, MONDO:0011484, OMIM 604772.

Submissions (3):

Labcorp Genetics (formerly Invitae), Labcorp
Classification: Uncertain significance for Catecholaminergic polymorphic ventricular tachycardia 1. Last evaluated: 2025-04-11. Review status: criteria provided, single submitter. Criteria: Invitae Variant Classification Sherloc (09022015). Collection method: clinical testing. Allele origin: germline.
Comment: This sequence change replaces glutamic acid, which is acidic and polar, with glutamine, which is neutral and polar, at codon 39 of the CASQ2 protein (p.Glu39Gln). This variant is not present in population databases (gnomAD no frequency). This variant has not been reported in the literature in individuals affected with CASQ2-related conditions. ClinVar contains an entry for this variant (Variation ID: 2146039). Invitae Evidence Modeling of protein sequence and biophysical properties (such as structural, functional, and spatial information, amino acid conservation, physicochemical variation, residue mobility, and thermodynamic stability) has been performed for this missense variant. However, the output from this modeling did not meet the statistical confidence thresholds required to predict the impact of this variant on CASQ2 protein function. In summary, the available evidence is currently insufficient to determine the role of this variant in disease. Therefore, it has been classified as a Variant of Uncertain Significance.

Genome-Nilou Lab
Classification: Uncertain significance for Catecholaminergic polymorphic ventricular tachycardia 2. Last evaluated: 2023-04-11. Review status: criteria provided, single submitter. Criteria: ACMG Guidelines, 2015. Collection method: clinical testing. Allele origin: germline. Affected: no.

Ambry Genetics
Classification: Uncertain significance for Cardiovascular phenotype. Last evaluated: 2022-12-01. Review status: criteria provided, single submitter. Criteria: Ambry Variant Classification Scheme 2023. Collection method: clinical testing. Allele origin: germline.
Comment: The p.E39Q variant (also known as c.115G>C), located in coding exon 1 of the CASQ2 gene, results from a G to C substitution at nucleotide position 115. The glutamic acid at codon 39 is replaced by glutamine, an amino acid with highly similar properties. This amino acid position is conserved. In addition, this alteration is predicted to be tolerated by in silico analysis. Since supporting evidence is limited at this time, the clinical significance of this alteration remains unclear.